The following is an entry in ClinVar:

NM_000138.5(FBN1):c.3197G>C (p.Arg1066Thr)

Gene: FBN1 (fibrillin 1; minus strand). Cytogenetic location: 15q21.1.
Variant type: single nucleotide variant.
Coding change: c.3197G>C on transcript NM_000138.5 (MANE Select); coding-DNA position 3197, G replaced by C.
Protein change: p.Arg1066Thr; replaces arginine 1066 with threonine.
Molecular consequence: missense variant.
Genome position (GRCh38, 1-based): chr15:48,488,379, C>G on the plus strand (G>C on the coding strand, the complement: FBN1 is on the minus strand). VCF-style: chr15-48488379-C-G. GRCh37 (hg19) VCF-style: chr15-48780576-C-G.
Other names: short protein forms R1066T.
Identifiers: ClinVar variation 263470 (VCV000263470.34), dbSNP rs376659156, ClinGen allele CA050003.

ClinVar aggregate classification (germline): Conflicting classifications of pathogenicity. Review status: criteria provided, conflicting classifications (1 of 4 stars). 10 submissions from 10 submitters: Uncertain significance (8); Likely benign (1). 1 of the submissions does not count toward it. Last evaluated 2026-01-12.

Conditions:
Ectopia lentis 1, isolated, autosomal dominant (ECTOL1). Identifiers: Orphanet 1885, MedGen C3541518, MONDO:0007514, OMIM 129600.
Marfan syndrome (MFS). Also called: MARFAN SYNDROME, TYPE I; FBN1-Related Marfan Syndrome; Marfan syndrome, classic; Marfan syndrome type 1; Marfan's syndrome. Identifiers: Orphanet 284963, Orphanet 558, MedGen C0024796, MONDO:0007947, OMIM 154700.
Acromicric dysplasia (ACMICD). Also called: Acromicric skeletal dysplasia. Identifiers: Orphanet 969, MedGen C0265287, MONDO:0007055, OMIM 102370.
Geleophysic dysplasia 2 (GPHYSD2). Identifiers: Orphanet 2623, MedGen C3280054, MONDO:0013612, OMIM 614185.
MASS syndrome (OCTD). Also called: OVERLAP CONNECTIVE TISSUE DISEASE; MASS PHENOTYPE. Identifiers: MedGen C1858556, MONDO:0011431, OMIM 604308.
Stiff skin syndrome (SSKS). Identifiers: Orphanet 2833, MedGen C1861456, MONDO:0008492, OMIM 184900.
Weill-Marchesani syndrome 2, dominant. Also called: FBN1-Related Weill-Marchesani Syndrome; Weill-Marchesani Syndrome, Autosomal Dominant. Identifiers: Orphanet 2084, MedGen C1869115, MONDO:0012013, OMIM 608328.
Progeroid and marfanoid aspect-lipodystrophy syndrome. Also called: MARFANOID-PROGEROID-LIPODYSTROPHY SYNDROME; MARFANOID-PROGEROID SYNDROME; MARFAN-PROGEROID-LIPODYSTROPHY SYNDROME; Marfan lipodystrophy syndrome. Identifiers: Orphanet 300382, MedGen C4310796, MONDO:0014831, OMIM 616914.
Familial thoracic aortic aneurysm and aortic dissection (TAAD). Also called: Thoracic aortic aneurysms and dissections. Identifiers: Orphanet 91387, MedGen C4707243, MONDO:0019625.
FBN1-related disorder. Also called: FBN1-related disorders.

Allele frequency attached by ClinVar (database versions not stated): ExAC 0.00002; TOPMed 0.00006; gnomAD exomes 0.00004 and 0.00020; gnomAD 0.00006; ESP Exome Variant Server 0.00008.
gnomAD v4.1: 296 of 1,614,134 alleles (0.018%); highest among the groups gnomAD compares: Non-Finnish European, 0.024%; 1 homozygote.

Submissions (10):

Labcorp Genetics (formerly Invitae), Labcorp
Classification: Uncertain significance for Marfan syndrome; Familial thoracic aortic aneurysm and aortic dissection. Last evaluated: 2026-01-12. Review status: criteria provided, single submitter. Criteria: Invitae Variant Classification Sherloc (09022015). Collection method: clinical testing. Allele origin: germline.
Comment: This sequence change replaces arginine, which is basic and polar, with threonine, which is neutral and polar, at codon 1066 of the FBN1 protein (p.Arg1066Thr). This variant is present in population databases (rs376659156, gnomAD 0.008%). This missense change has been observed in individual(s) with clinical features of FBN1-related conditions (PMID: 25652356; internal data). ClinVar contains an entry for this variant (Variation ID: 263470). Invitae Evidence Modeling of protein sequence and biophysical properties (such as structural, functional, and spatial information, amino acid conservation, physicochemical variation, residue mobility, and thermodynamic stability) indicates that this missense variant is expected to disrupt FBN1 protein function with a positive predictive value of 80%. In summary, the available evidence is currently insufficient to determine the role of this variant in disease. Therefore, it has been classified as a Variant of Uncertain Significance.

Color Diagnostics, LLC DBA Color Health
Classification: Uncertain significance for Familial thoracic aortic aneurysm and aortic dissection. Last evaluated: 2025-12-11. Review status: criteria provided, single submitter. Criteria: ACMG Guidelines, 2015. Collection method: clinical testing. Allele origin: germline.
Comment: This missense variant replaces arginine with threonine at codon 1066 of the FBN1 protein. Computational prediction is inconclusive regarding the impact of this variant on protein structure and function. To our knowledge, functional studies have not been reported for this variant. This variant has been reported in one individual suspected of having Marfan syndrome (PMID: 25652356). This variant has been identified in 296/1614134 chromosomes in the general population by the Genome Aggregation Database (gnomAD). The available evidence is insufficient to determine the role of this variant in disease conclusively. Therefore, this variant is classified as a Variant of Uncertain Significance.

Ambry Genetics
Classification: Uncertain significance for Familial thoracic aortic aneurysm and aortic dissection. Last evaluated: 2025-09-19. Review status: criteria provided, single submitter. Criteria: Ambry Variant Classification Scheme 2023. Collection method: clinical testing. Allele origin: germline.
Comment: The p.R1066T variant (also known as c.3197G>C), located in coding exon 25 of the FBN1 gene, results from a G to C substitution at nucleotide position 3197. The arginine at codon 1066 is replaced by threonine, an amino acid with similar properties. In a study of FBN1 clinical genetic testing among consecutive patients referred for Marfan syndrome, this alteration was reported in one patient with skeletal features (Baudhuin LM et al. J Hum Genet. 2015;60(5):241-52). This amino acid position is highly conserved in available vertebrate species. In addition, this alteration is predicted to be deleterious by in silico analysis. Since supporting evidence is limited at this time, the clinical significance of this alteration remains unclear.

All of Us Research Program, National Institutes of Health
Classification: Uncertain significance for Marfan syndrome. Last evaluated: 2024-09-23. Review status: criteria provided, single submitter. Criteria: ACMG Guidelines, 2015. Collection method: clinical testing. Allele origin: germline. Inheritance: Autosomal dominant inheritance. Observed: 13 variant alleles, 13 heterozygotes.
Comment: This missense variant replaces arginine with threonine at codon 1066 of the FBN1 protein. Computational prediction is inconclusive regarding the impact of this variant on protein structure and function (internally defined REVEL score threshold 0.5 < inconclusive < 0.7, PMID: 27666373). To our knowledge, functional studies have not been reported for this variant. This variant has been reported in one individual suspected of having Marfan syndrome (PMID: 25652356). This variant has been identified in 11/282908 chromosomes in the general population by the Genome Aggregation Database (gnomAD). The available evidence is insufficient to determine the role of this variant in disease conclusively. Therefore, this variant is classified as a Variant of Uncertain Significance.

This study involves interpretation of variants in research participants for the purpose of population health screening. Participant phenotype was not available at the time of variant classification. Additional details can be found in publication PMID: 35346344, PMCID: PMC8962531

GeneDx
Classification: Uncertain significance. Last evaluated: 2024-04-02. Review status: criteria provided, single submitter. Criteria: GeneDx Variant Classification Process June 2021. Collection method: clinical testing. Allele origin: germline. Affected: yes.
Comment: Reported as a variant of uncertain significance in patients with Marfan syndrome or an FBN1-related phenotype in published literature (PMID: 25652356, 32123317); In silico analysis supports that this missense variant has a deleterious effect on protein structure/function; Although located in a calcium-binding EGF-like domain of the FBN1 gene, it does not affect a cysteine residue within this domain; cysteine substitutions in the calcium-binding EGF-like domains represent the majority of pathogenic missense changes associated with FBN1-related disorders (PMID: 12938084); This variant is associated with the following publications: (PMID: 32123317, 34663891, 12938084, 25652356)

Women's Health and Genetics/Laboratory Corporation of America, LabCorp
Classification: Uncertain significance. Last evaluated: 2023-05-15. Review status: criteria provided, single submitter. Criteria: LabCorp Variant Classification Summary - May 2015. Collection method: clinical testing. Allele origin: germline.
Comment: Variant summary: FBN1 c.3197G>C (p.Arg1066Thr) results in a non-conservative amino acid change located in the EGF like domain of the encoded protein sequence. Four of five in-silico tools predict a damaging effect of the variant on protein function. The variant allele was found at a frequency of 4e-05 in 251492 control chromosomes (gnomAD). This frequency is not significantly higher than estimated for a pathogenic variant in FBN1 causing Marfan Syndrome (4e-05 vs 0.00011), allowing no conclusion about variant significance. c.3197G>C has been reported in the literature in an individual affected with FBN1-related disease (example: Baudhuin_2015). These report(s) do not provide unequivocal conclusions about association of the variant with Marfan Syndrome. To our knowledge, no experimental evidence demonstrating an impact on protein function has been reported. The following publications have been ascertained in the context of this evaluation (PMID: 25652356, 32123317). Six clinical diagnostic laboratories have submitted clinical-significance assessments for this variant to ClinVar after 2014 and all classified the variant as uncertain significance. Based on the evidence outlined above, the variant was classified as uncertain significance.

Fulgent Genetics
Classification: Uncertain significance for Acromicric dysplasia; Ectopia lentis 1, isolated, autosomal dominant; Marfan syndrome; Stiff skin syndrome; MASS syndrome; Weill-Marchesani syndrome 2, dominant; Geleophysic dysplasia 2; Progeroid and marfanoid aspect-lipodystrophy syndrome. Last evaluated: 2022-04-26. Review status: criteria provided, single submitter. Criteria: ACMG Guidelines, 2015. Collection method: clinical testing. Allele origin: unknown.

Blueprint Genetics
Classification: Likely benign. Last evaluated: 2021-09-14. Review status: criteria provided, single submitter. Criteria: ACMG Guidelines, 2015. Collection method: clinical testing. Allele origin: germline.

ARUP Laboratories, Molecular Genetics and Genomics, ARUP Laboratories
Classification: Uncertain significance. Last evaluated: 2019-02-19. Review status: criteria provided, single submitter. Criteria: ARUP Molecular Germline Variant Investigation Process. Collection method: clinical testing. Allele origin: germline.
Comment: The FBN1 c.3197G>C; p.Arg1066Thr variant (rs376659156), to our knowledge, is not described in the medical literature but contains an entry in ClinVar (Variation ID: 263470). It is observed in the general population at an overall frequency of 0.0039% (11/282908 alleles) in the Genome Aggregation Database. The arginine at codon 1066 is highly conserved, but computational algorithms (PolyPhen-2: possibly damaging, SIFT: tolerated) are inconclusive on the effect of this variant on protein structure/function. Due to the lack of clinical and functional data regarding this variant, its clinical significance cannot be determined with certainty.

PreventionGenetics, part of Exact Sciences
Classification: Uncertain significance for FBN1-related condition. Last evaluated: 2024-03-26. Review status: no assertion criteria provided. Collection method: clinical testing. Allele origin: germline. Not counted in ClinVar's aggregate classification.
Comment: The FBN1 c.3197G>C variant is predicted to result in the amino acid substitution p.Arg1066Thr. This variant was reported in an individual suspected of Marfan syndrome and referred for FBN1 testing (Baudhuin et al. 2015. PubMed ID: 25652356). Blood RNA analysis showed that this variant does not affect normal splicing (Table S1, Wai et al. 2020. PubMed ID: 32123317). This variant is reported in 0.0077% of alleles in individuals of European (Non-Finnish) descent in gnomAD. At this time, the clinical significance of this variant is uncertain due to the absence of conclusive functional and genetic evidence.

Literature cited by the submitters: PubMed 25652356 (cited by 5 submitters); PubMed 32123317 (cited by Ambry Genetics and Women's Health and Genetics/Laboratory Corporation of America, LabCorp).